The following is an entry in ClinVar:

NM_000059.4(BRCA2):c.316+6T>C

Gene: BRCA2 (BRCA2 DNA repair associated; plus strand). Cytogenetic location: 13q13.1.
Variant type: single nucleotide variant.
Coding change: c.316+6T>C on transcript NM_000059.4 (MANE Select); 6 bases into the intron after coding-DNA position 316, T replaced by C.
Molecular consequence: intron variant.
Genome position (GRCh38, 1-based): chr13:32,319,331, T>C. VCF-style: chr13-32319331-T-C. GRCh37 (hg19) VCF-style: chr13-32893468-T-C.
Other names: IVS3+6T>C.
Identifiers: ClinVar variation 51411 (VCV000051411.13), dbSNP rs81002900, ClinGen allele CA017400.

ClinVar aggregate classification (germline): Uncertain significance. Review status: criteria provided, multiple submitters, no conflicts (2 of 4 stars). 6 submissions from 6 submitters: Uncertain significance (5). 1 of the submissions does not count toward it. Last evaluated 2026-01-16.

Conditions:
Hereditary breast ovarian cancer syndrome. Also called: Hereditary breast and ovarian cancer syndrome; Hereditary breast and ovarian cancer; Hereditary breast and ovarian cancer syndrome (HBOC); Breast and ovarian cancer; Hereditary breast and/or ovarian cancer syndrome; BRCA1- and BRCA2-Associated Hereditary Breast and Ovarian Cancer. Identifiers: Orphanet 145, MedGen C0677776, MeSH D061325, MONDO:0003582. Disease mechanism: loss of function.
Breast-ovarian cancer, familial, susceptibility to, 2 (BROVCA2). Also called: BRCA2 Hereditary Breast and Ovarian Cancer. Identifiers: Orphanet 145, MedGen C2675520, MONDO:0012933, OMIM 612555. Disease mechanism: loss of function.
Familial cancer of breast. Also called: BREAST CANCER, FAMILIAL; Hereditary breast cancer; hereditary breast carcinoma. Identifiers: Orphanet 227535, MedGen C0346153, MONDO:0016419, OMIM 114480. Disease mechanism: loss of function.
Hereditary cancer-predisposing syndrome. Also called: Neoplastic Syndromes, Hereditary; Tumor predisposition; Hereditary Cancer Syndrome; Hereditary neoplastic syndrome. Identifiers: Orphanet 140162, MedGen C0027672, MeSH D009386, MONDO:0015356.

Allele frequency attached by ClinVar (database versions not stated): gnomAD exomes below 0.00001.
gnomAD v4.1: 2 of 1,608,700 alleles (0.00012%); highest among the groups gnomAD compares: Non-Finnish European, 0.00017%; no homozygotes.

Submissions (6):

Labcorp Genetics (formerly Invitae), Labcorp
Classification: Uncertain significance for Hereditary breast ovarian cancer syndrome. Last evaluated: 2026-01-16. Review status: criteria provided, single submitter. Criteria: Invitae Variant Classification Sherloc (09022015). Collection method: clinical testing. Allele origin: germline.
Comment: This sequence change falls in intron 3 of the BRCA2 gene. It does not directly change the encoded amino acid sequence of the BRCA2 protein. It affects a nucleotide within the consensus splice site. This variant is present in population databases (rs81002900, gnomAD 0.0009%). This variant has been observed in individual(s) with personal and/or family history of breast and/or ovarian cancer (PMID: 21120943). ClinVar contains an entry for this variant (Variation ID: 51411). Variants that disrupt the consensus splice site are a relatively common cause of aberrant splicing (PMID: 17576681, 9536098). Studies have shown that this variant is associated with inconclusive levels of altered splicing (PMID: 30883759, 32641407, 35979650; internal data). In summary, the available evidence is currently insufficient to determine the role of this variant in disease. Therefore, it has been classified as a Variant of Uncertain Significance.

Ambry Genetics
Classification: Uncertain significance for Hereditary cancer-predisposing syndrome. Last evaluated: 2023-07-12. Review status: criteria provided, single submitter. Criteria: Ambry General Variant Classification Scheme_2022. Collection method: clinical testing. Allele origin: germline.
Comment: The c.316+6T>C intronic variant results from a T to C substitution 6 nucleotides after coding exon 2 in the BRCA2 gene. This nucleotide position is highly conserved in available vertebrate species. In silico splice site analysis for this alteration is inconclusive. RNA studies have shown this alteration to result in the skipping of coding exon 2 (Ambry internal data; Fraile-Bethencourt E et al. J Pathol, 2019 Aug;248:409-420). Coding exon 2 is sometimes referred to as exon 3 in the literature. Since supporting evidence is limited at this time, the clinical significance of this alteration remains unclear.

Color Diagnostics, LLC DBA Color Health
Classification: Uncertain significance for Hereditary cancer-predisposing syndrome. Last evaluated: 2022-08-15. Review status: criteria provided, single submitter. Criteria: ACMG Guidelines, 2015. Collection method: clinical testing. Allele origin: germline.
Comment: This variant causes a T to C nucleotide substitution at the +6 position of intron 3 of the BRCA2 gene. RNA studies using patient-derived cells and minigene splicing assays have shown that this variant causes skipping of exon 3, but does not completely abolish normal RNA splicing (PMID: 30883759, 32641407). Functional studies have shown this variant can complement loss of BRCA2 in mouse embryonic stem cells and mouse embryonic stem cells expressing this variant are not hypersensitive to DNA-damaging agents (PMID: 32641407). This variant has been reported in an individual with a personal and/or family history of breast or ovarian cancer (PMID: 21120943). This variant has been identified in 1/248932 chromosomes in the general population by the Genome Aggregation Database (gnomAD). The available evidence is insufficient to determine the role of this variant in disease conclusively. Therefore, this variant is classified as a Variant of Uncertain Significance.

Baylor Genetics
Classification: Uncertain significance for Familial cancer of breast. Last evaluated: 2021-11-15. Review status: criteria provided, single submitter. Criteria: ACMG Guidelines, 2015. Collection method: clinical testing. Allele origin: unknown.

Quest Diagnostics Nichols Institute San Juan Capistrano
Classification: Uncertain significance. Last evaluated: 2021-02-19. Review status: criteria provided, single submitter. Criteria: Quest Diagnostics criteria. Collection method: clinical testing. Allele origin: unknown.

Breast Cancer Information Core (BIC) (BRCA2)
Classification: Uncertain significance for Breast-ovarian cancer, familial 2. Last evaluated: 2003-12-23. Review status: no assertion criteria provided. Collection method: clinical testing. Allele origin: germline. Affected: yes. Observed: 1 variant allele. Not counted in ClinVar's aggregate classification.

Literature cited by the submitters: PubMed 21120943 (cited by Labcorp Genetics (formerly Invitae), Labcorp and Color Diagnostics, LLC DBA Color Health); PubMed 17576681 (cited by Labcorp Genetics (formerly Invitae), Labcorp); PubMed 9536098 (cited by Labcorp Genetics (formerly Invitae), Labcorp); PubMed 30883759 (cited by 4 submitters); PubMed 32641407 (cited by Labcorp Genetics (formerly Invitae), Labcorp and Color Diagnostics, LLC DBA Color Health); PubMed 35979650 (cited by Labcorp Genetics (formerly Invitae), Labcorp).